The following is an entry in ClinVar:

ClinVar aggregate classification (germline): Uncertain significance (1 of 4 stars; one submission).

Conditions:
Adams-Oliver syndrome 5 (AOS5). Identifiers: Orphanet 974, MedGen C4014970, MONDO:0014459, OMIM 616028.

Submission:

Labcorp Genetics (formerly Invitae), Labcorp
Classification: Uncertain significance for Adams-Oliver syndrome 5. Last evaluated: 2023-12-04. Review status: criteria provided, single submitter. Criteria: Invitae Variant Classification Sherloc (09022015). Collection method: clinical testing. Allele origin: germline.
Comment: This sequence change replaces proline, which is neutral and non-polar, with serine, which is neutral and polar, at codon 186 of the NOTCH1 protein (p.Pro186Ser). This variant is not present in population databases (gnomAD no frequency). This variant has not been reported in the literature in individuals affected with NOTCH1-related conditions. Advanced modeling of protein sequence and biophysical properties (such as structural, functional, and spatial information, amino acid conservation, physicochemical variation, residue mobility, and thermodynamic stability) performed at Invitae indicates that this missense variant is not expected to disrupt NOTCH1 protein function with a negative predictive value of 95%. In summary, the available evidence is currently insufficient to determine the role of this variant in disease. Therefore, it has been classified as a Variant of Uncertain Significance.

NM_017617.5(NOTCH1):c.556C>T (p.Pro186Ser)

Gene: NOTCH1 (notch receptor 1; minus strand). Cytogenetic location: 9q34.3.
Variant type: single nucleotide variant.
Coding change: c.556C>T on transcript NM_017617.5 (MANE Select); coding-DNA position 556, C replaced by T.
Protein change: p.Pro186Ser; replaces proline 186 with serine.
Molecular consequence: missense variant.
Genome position (GRCh38, 1-based): chr9:136,523,036, G>A on the plus strand (C>T on the coding strand, the complement: NOTCH1 is on the minus strand). VCF-style: chr9-136523036-G-A. GRCh37 (hg19) VCF-style: chr9-139417488-G-A.
Other names: short protein forms P186S.
Identifiers: ClinVar variation 2779081 (VCV002779081.3), dbSNP rs1228535872, ClinGen allele CA375570277.